The following is an entry in ClinVar:

NM_014915.3(ANKRD26):c.1244A>T (p.Asp415Val)

Gene: ANKRD26 (ankyrin repeat domain 26; minus strand). Cytogenetic location: 10p12.1.
Variant type: single nucleotide variant.
Coding change: c.1244A>T on transcript NM_014915.3 (MANE Select); coding-DNA position 1244, A replaced by T.
Protein change: p.Asp415Val; replaces aspartic acid 415 with valine.
Molecular consequence: missense variant.
Genome position (GRCh38, 1-based): chr10:27,066,512, T>A on the plus strand (A>T on the coding strand, the complement: ANKRD26 is on the minus strand). VCF-style: chr10-27066512-T-A. GRCh37 (hg19) VCF-style: chr10-27355441-T-A.
Other names: c.1244A>T, p.Asp415Val (NM_001256053.2); short protein forms D415V.
Identifiers: ClinVar variation 4826412 (VCV004826412.1).

ClinVar aggregate classification (germline): Uncertain significance (1 of 4 stars; one submission).

Conditions:
Inborn genetic diseases. Identifiers: MedGen C0950123, MeSH D030342.

Submission:

Ambry Genetics
Classification: Uncertain significance for Inborn genetic diseases. Last evaluated: 2026-03-01. Review status: criteria provided, single submitter. Criteria: Ambry Variant Classification Scheme 2023. Collection method: clinical testing. Allele origin: germline.
Comment: The p.D415V variant (also known as c.1244A>T), located in coding exon 11 of the ANKRD26 gene, results from an A to T substitution at nucleotide position 1244. The aspartic acid at codon 415 is replaced by valine, an amino acid with highly dissimilar properties. This amino acid position is conserved. In addition, this alteration is predicted to be tolerated by in silico analysis. Based on the available evidence, the clinical significance of this variant remains unclear.